The following is an entry in ClinVar:

NM_015599.3(PGM3):c.301G>C (p.Asp101His)

Gene: PGM3 (phosphoglucomutase 3; minus strand). Cytogenetic location: 6q14.1.
Variant type: single nucleotide variant.
Coding change: c.301G>C on transcript NM_015599.3 (MANE Select); coding-DNA position 301, G replaced by C.
Protein change: p.Asp101His; replaces aspartic acid 101 with histidine.
Molecular consequence: missense variant. On other transcripts: non-coding transcript variant (1).
Genome position (GRCh38, 1-based): chr6:83,188,702, C>G on the plus strand (G>C on the coding strand, the complement: PGM3 is on the minus strand). VCF-style: chr6-83188702-C-G. GRCh37 (hg19) VCF-style: chr6-83898421-C-G.
Other names: c.385G>C, p.Asp129His (NM_001199917.2, NM_001367287.1); c.58G>C, p.Asp20His (NM_001199918.2); c.301G>C, p.Asp101His (NM_001199919.2, NM_001367286.1); short protein forms D129H, D101H, D20H.
Identifiers: ClinVar variation 1387149 (VCV001387149.6), dbSNP rs775939917, ClinGen allele CA3906844.
Genomic context (GRCh38, chr6:83,188,702, plus strand): 5'-CATCTTGTTGCAGATTCACAGCTTCTTTCTCGCTGATGTCAATAAGCACTCTCTGCATAT[C>G]TTGTTCCTCAGCATTTGCTAAACAGGTGGCATGTTCCTCCCAGGATGGTGCCAACATTTC-3'
Protein context (NP_056414.1, residues 91-111): ATCLANAEEQ[Asp101His]MQRVLIDISE

ClinVar aggregate classification (germline): Uncertain significance (1 of 4 stars; one submission).

Conditions:
Immunodeficiency 23 (IMD23). Also called: IMMUNODEFICIENCY WITH HYPER IgE AND COGNITIVE IMPAIRMENT; IMMUNODEFICIENCY-VASCULITIS-MYOCLONUS SYNDROME. Identifiers: Orphanet 443811, MedGen C4014371, MONDO:0014353, OMIM 615816.

Allele frequency attached by ClinVar (database versions not stated): gnomAD exomes 0.00001 and 0.00005; ExAC 0.00003; TOPMed 0.00004.
gnomAD v4.1: 11 of 1,614,032 alleles (0.00068%); highest among the groups gnomAD compares: Admixed American, 0.012%; no homozygotes.

Submission:

Labcorp Genetics (formerly Invitae), Labcorp
Classification: Uncertain significance for Immunodeficiency 23. Last evaluated: 2026-01-06. Review status: criteria provided, single submitter. Criteria: Invitae Variant Classification Sherloc (09022015). Collection method: clinical testing. Allele origin: germline.
Comment: This sequence change replaces aspartic acid, which is acidic and polar, with histidine, which is basic and polar, at codon 129 of the PGM3 protein (p.Asp129His). This variant is present in population databases (rs775939917, gnomAD 0.03%). This variant has not been reported in the literature in individuals affected with PGM3-related conditions. ClinVar contains an entry for this variant (Variation ID: 1387149). An algorithm developed to predict the effect of missense changes on protein structure and function outputs the following: PolyPhen-2: "Benign". The histidine amino acid residue is found in multiple mammalian species, which suggests that this missense change does not adversely affect protein function. In summary, the available evidence is currently insufficient to determine the role of this variant in disease. Therefore, it has been classified as a Variant of Uncertain Significance.